The following is an entry in ClinVar:

ClinVar aggregate classification (germline): Likely benign (1 of 4 stars; one submission).

gnomAD v4.1: 1 of 1,611,070 alleles (0.000062%); no homozygotes.

Submission:

CeGaT Center for Human Genetics Tuebingen
Classification: Likely benign. Last evaluated: 2025-05-01. Review status: criteria provided, single submitter. Criteria: CeGaT Center For Human Genetics Tuebingen Variant Classification Criteria Version 2. Collection method: clinical testing. Allele origin: germline. Affected: yes. Observed: 1 variant allele.
Comment: DLL4: BP4, BP7

NM_019074.4(DLL4):c.69C>A (p.Arg23=)

Gene: DLL4 (delta like canonical Notch ligand 4; plus strand). Cytogenetic location: 15q15.1.
Variant type: single nucleotide variant.
Coding change: c.69C>A on transcript NM_019074.4 (MANE Select); coding-DNA position 69, C replaced by A.
Protein change: p.Arg23=; no amino-acid change (arginine 23 retained).
Molecular consequence: synonymous variant.
Genome position (GRCh38, 1-based): chr15:40,929,849, C>A. VCF-style: chr15-40929849-C-A. GRCh37 (hg19) VCF-style: chr15-41222047-C-A.
Identifiers: ClinVar variation 3905268 (VCV003905268.10).